The following is an entry in ClinVar:

NM_007129.5(ZIC2):c.825A>T (p.Lys275Asn)

Gene: ZIC2 (Zic family zinc finger 2; plus strand). Cytogenetic location: 13q32.3.
Variant type: single nucleotide variant.
Coding change: c.825A>T on transcript NM_007129.5 (MANE Select); coding-DNA position 825, A replaced by T.
Protein change: p.Lys275Asn; replaces lysine 275 with asparagine.
Molecular consequence: missense variant.
Genome position (GRCh38, 1-based): chr13:99,982,889, A>T. VCF-style: chr13-99982889-A-T. GRCh37 (hg19) VCF-style: chr13-100635143-A-T.
Other names: short protein forms K275N.
Identifiers: ClinVar variation 1411243 (VCV001411243.8), dbSNP rs751270785, ClinGen allele CA388638165.

ClinVar aggregate classification (germline): Uncertain significance (1 of 4 stars; one submission).

Conditions:
Holoprosencephaly 5 (HPE5). Identifiers: Orphanet 2162, MedGen C1864827, MONDO:0012322, OMIM 609637.

Submission:

Labcorp Genetics (formerly Invitae), Labcorp
Classification: Uncertain significance for Holoprosencephaly 5. Last evaluated: 2023-05-22. Review status: criteria provided, single submitter. Criteria: Invitae Variant Classification Sherloc (09022015). Collection method: clinical testing. Allele origin: germline.
Comment: In summary, the available evidence is currently insufficient to determine the role of this variant in disease. Therefore, it has been classified as a Variant of Uncertain Significance. ClinVar contains an entry for this variant (Variation ID: 1411243). This variant has not been reported in the literature in individuals affected with ZIC2-related conditions. This variant is present in population databases (no rsID available, gnomAD 0.0009%). This sequence change replaces lysine, which is basic and polar, with asparagine, which is neutral and polar, at codon 275 of the ZIC2 protein (p.Lys275Asn). Advanced modeling of protein sequence and biophysical properties (such as structural, functional, and spatial information, amino acid conservation, physicochemical variation, residue mobility, and thermodynamic stability) has been performed at Invitae for this missense variant, however the output from this modeling did not meet the statistical confidence thresholds required to predict the impact of this variant on ZIC2 protein function.